The following is an entry in ClinVar:

ClinVar aggregate classification (germline): Pathogenic (1 of 4 stars; one submission).

Submission:

Labcorp Genetics (formerly Invitae), Labcorp
Classification: Pathogenic. Last evaluated: 2023-03-14. Review status: criteria provided, single submitter. Criteria: Invitae Variant Classification Sherloc (09022015). Collection method: clinical testing. Allele origin: germline.
Comment: For these reasons, this variant has been classified as Pathogenic. This variant has not been reported in the literature in individuals affected with FRAS1-related conditions. This variant is not present in population databases (gnomAD no frequency). This sequence change creates a premature translational stop signal (p.Gln3551*) in the FRAS1 gene. It is expected to result in an absent or disrupted protein product. Loss-of-function variants in FRAS1 are known to be pathogenic (PMID: 12766769, 18671281).

Literature cited by the submitters: PubMed 12766769; PubMed 18671281.

NM_025074.7(FRAS1):c.10651C>T (p.Gln3551Ter)

Gene: FRAS1 (Fraser extracellular matrix complex subunit 1; plus strand). Cytogenetic location: 4q21.21.
Variant type: single nucleotide variant.
Coding change: c.10651C>T on transcript NM_025074.7 (MANE Select); coding-DNA position 10651, C replaced by T.
Protein change: p.Gln3551Ter; replaces glutamine 3551 with a stop codon.
Molecular consequence: nonsense.
Genome position (GRCh38, 1-based): chr4:78,522,651, C>T. VCF-style: chr4-78522651-C-T. GRCh37 (hg19) VCF-style: chr4-79443805-C-T.
Other names: short protein forms Q3551*.
Identifiers: ClinVar variation 2845666 (VCV002845666.3), dbSNP rs1721421041, ClinGen allele CA357390275.
Genomic context (GRCh38, chr4:78,522,651, plus strand): 5'-AGTCAAACTAAAGCTCTACCACAAGTACATTAAATGCATGTGTTTCCCCTTCAAATAGGA[C>T]AGTTTGTGATGGAGCATCACACTCTCCCAGAAGTGAAATCTTTCGTATTGACTCCAGACC-3'